The following is an entry in ClinVar:

ClinVar aggregate classification (germline): Uncertain significance (1 of 4 stars; one submission).

Conditions:
Hereditary cancer-predisposing syndrome. Also called: Hereditary Cancer Syndrome; Hereditary neoplastic syndrome; Tumor predisposition; Neoplastic Syndromes, Hereditary. Identifiers: Orphanet 140162, MedGen C0027672, MeSH D009386, MONDO:0015356.

gnomAD v4.1: 1 of 1,614,042 alleles (0.000062%); highest among the groups gnomAD compares: South Asian, 0.0011%; no homozygotes.

Submission:

Ambry Genetics
Classification: Uncertain significance for Hereditary cancer-predisposing syndrome. Last evaluated: 2023-02-03. Review status: criteria provided, single submitter. Criteria: Ambry Variant Classification Scheme 2023. Collection method: clinical testing. Allele origin: germline.
Comment: The c.240+5G>A intronic variant results from a G to A substitution 5 nucleotides after coding exon 2 in the NF2 gene. This nucleotide position is well conserved in available vertebrate species. In silico splice site analysis predicts that this alteration may weaken the native splice donor site; however, direct evidence is insufficient at this time (Ambry internal data). Since supporting evidence is limited at this time, the clinical significance of this alteration remains unclear.

NM_000268.4(NF2):c.240+5G>A

Gene: NF2 (NF2, moesin-ezrin-radixin like (MERLIN) tumor suppressor; plus strand). Cytogenetic location: 22q12.2.
Variant type: single nucleotide variant.
Coding change: c.240+5G>A on transcript NM_000268.4 (MANE Select); 5 bases into the intron after coding-DNA position 240, G replaced by A.
Molecular consequence: intron variant.
Genome position (GRCh38, 1-based): chr22:29,636,881, G>A. VCF-style: chr22-29636881-G-A. GRCh37 (hg19) VCF-style: chr22-30032870-G-A.
Other names: c.-12G>A (NM_001407067.1); c.240+5G>A (NM_016418.5, NM_181832.3, NM_181833.3 and 2 more transcripts); c.115-2209G>A (NM_181828.3); c.115-5321G>A (NM_181830.3, NM_181831.3).
Identifiers: ClinVar variation 1790725 (VCV001790725.3), dbSNP rs2146855036, ClinGen allele CA2580099484.